The following is an entry in ClinVar:

NM_130839.5(UBE3A):c.1404A>G (p.Thr468=)

Genes: SNHG14 (small nucleolar RNA host gene 14; plus strand), UBE3A (ubiquitin protein ligase E3A; minus strand). Cytogenetic location: 15q11.2.
Variant type: single nucleotide variant.
Coding change: c.1404A>G on transcript NM_130839.5 (MANE Select); coding-DNA position 1404, A replaced by G.
Protein change: p.Thr468=; no amino-acid change (threonine 468 retained).
Molecular consequence: synonymous variant. On other transcripts: non-coding transcript variant (1), intron variant (2).
Genome position (GRCh38, 1-based): chr15:25,370,770, T>C on the plus strand (A>G on the coding strand, the complement: UBE3A is on the minus strand). VCF-style: chr15-25370770-T-C. GRCh37 (hg19) VCF-style: chr15-25615917-T-C.
Other names: p.T468T:ACA>ACG; c.1413A>G, p.Thr471= (NM_000462.5); c.1404A>G, p.Thr468= (NM_001354505.1, NM_001354538.2, NM_001354545.2); c.1344A>G, p.Thr448= (NM_001354506.2, NM_001354507.2, NM_001354508.2 and 17 more transcripts); c.1227A>G, p.Thr409= (NM_001354546.2); c.301+4695A>G (NM_001354551.2); c.361+4695A>G (NM_001354550.2).
Identifiers: ClinVar variation 137885 (VCV000137885.27), dbSNP rs150331504, ClinGen allele CA202443.

ClinVar aggregate classification (germline): Benign. Review status: reviewed by expert panel (3 of 4 stars). 8 submissions from 8 submitters: Benign (1). 7 of the submissions do not count toward it. Last evaluated 2021-03-26.

Conditions:
Inborn genetic diseases. Identifiers: MedGen C0950123, MeSH D030342.
Angelman syndrome (AS). Also called: HAPPY PUPPET SYNDROME. Identifiers: Orphanet 72, MedGen C0162635, MONDO:0007113, OMIM 105830. Disease mechanism: loss of function. Inheritance: AS is caused by disruption of maternally imprinted UBE3A located within the 15q11.2-q13 Angelman syndrome/Prader-Willi syndrome (AS/PWS) region., imprinting disorder.

Allele frequency attached by ClinVar (database versions not stated): gnomAD exomes 0.00037 and 0.00141; gnomAD 0.00054 and 0.00084; TOPMed 0.00060; 1000 Genomes Project 30x 0.00484; 1000 Genomes Project 0.00559; ExAC 0.00112.
gnomAD v4.1: 682 of 1,614,156 alleles (0.042%); highest among the groups gnomAD compares: East Asian, 1.3%; 10 homozygotes.

Submissions (8):

ClinGen Rett and Angelman-like Disorders Variant Curation Expert Panel
Classification: Benign for Angelman syndrome. Last evaluated: 2021-03-26. Review status: reviewed by expert panel. Criteria: ClinGen RettAS ACMG Specifications V1. Collection method: curation. Allele origin: germline. Inheritance: Autosomal dominant inheritance.
Comment: The allele frequency of the p.Thr448= variant in UBE3A is 1.9% in the East Asian sub population in gnomAD, which is high enough to be classified as benign based on thresholds defined by the ClinGen Rett/Angelman-like Expert Panel for Rett/AS-like conditions (BA1). The silent p.Thr448= variant is not predicted to affect splicing using multiple computational tools and does not affect a highly conserved nucleotide (BP7). In summary, the p.Thr448= variant in UBE3A is classified as benign based on the ACMG/AMP criteria (BA1, BP7).

Labcorp Genetics (formerly Invitae), Labcorp
Classification: Benign for Angelman syndrome. Last evaluated: 2026-01-28. Review status: criteria provided, single submitter. Criteria: Invitae Variant Classification Sherloc (09022015). Collection method: clinical testing. Allele origin: germline. Not counted in ClinVar's aggregate classification.

Blueprint Genetics
Classification: Likely benign. Last evaluated: 2024-10-22. Review status: criteria provided, single submitter. Criteria: ACMG Guidelines, 2015. Collection method: clinical testing. Allele origin: germline. Not counted in ClinVar's aggregate classification.

Ambry Genetics
Classification: Benign for Inborn genetic diseases. Last evaluated: 2016-11-09. Review status: criteria provided, single submitter. Criteria: Ambry Variant Classification Scheme 2023. Collection method: clinical testing. Allele origin: germline. Not counted in ClinVar's aggregate classification.

GeneDx
Classification: Benign. Last evaluated: 2016-06-14. Review status: criteria provided, single submitter. Criteria: GeneDx Variant Classification (06012015). Collection method: clinical testing. Allele origin: germline. Affected: yes. Not counted in ClinVar's aggregate classification.
Comment: This variant is considered likely benign or benign based on one or more of the following criteria: it is a conservative change, it occurs at a poorly conserved position in the protein, it is predicted to be benign by multiple in silico algorithms, and/or has population frequency not consistent with disease.

Eurofins Ntd Llc (ga)
Classification: Benign. Last evaluated: 2016-01-07. Review status: criteria provided, single submitter. Criteria: EGL Classification Definitions 2015. Collection method: clinical testing. Allele origin: germline. Observed: 1 variant allele, 1 heterozygote. Not counted in ClinVar's aggregate classification.

Genetic Services Laboratory, University of Chicago
Classification: Benign. Last evaluated: 2015-08-10. Review status: criteria provided, single submitter. Criteria: ACMG Guidelines, 2015. Collection method: clinical testing. Allele origin: germline. Not counted in ClinVar's aggregate classification.

Baylor Genetics
Classification: Uncertain significance for Angelman syndrome. Last evaluated: 2014-02-14. Review status: no assertion criteria provided. Collection method: clinical testing. Allele origin: paternal. Affected: yes. Observed: 2 variant alleles. Study: UBE3A Mutation Study. Not counted in ClinVar's aggregate classification.
Comment: possible diagnosis of Angelman syndrome

MAF 0.002

Data collected from clinical UBE3A sequence analysis results

Literature cited by the submitters: PubMed 25212744 (cited by Baylor Genetics).